The following is an entry in ClinVar:

ClinVar aggregate classification (germline): Conflicting classifications of pathogenicity. Review status: criteria provided, conflicting classifications (1 of 4 stars). 4 submissions from 4 submitters: Uncertain significance (3); Likely benign (1). Last evaluated 2024-02-13.

Conditions:
Early-infantile DEE. Also called: Ohtahara syndrome; Early infantile epileptic encephalopathy with suppression bursts; Early infantile epileptic encephalopathy. Identifiers: Orphanet 1934, MedGen C0393706, MONDO:0800491.
Inborn genetic diseases. Identifiers: MedGen C0950123, MeSH D030342.
Developmental and epileptic encephalopathy, 17 (DEE17). Also called: Early infantile epileptic encephalopathy 17. Identifiers: Orphanet 1934, MedGen C3809606, MONDO:0014199, OMIM 615473.

Allele frequency attached by ClinVar (database versions not stated): gnomAD exomes below 0.00001 and 0.00001; ExAC 0.00002.
gnomAD v4.1: 6 of 1,614,258 alleles (0.00037%); highest among the groups gnomAD compares: South Asian, 0.0033%; no homozygotes.

Submissions (4):

Labcorp Genetics (formerly Invitae), Labcorp
Classification: Uncertain significance for Early-infantile DEE. Last evaluated: 2024-02-13. Review status: criteria provided, single submitter. Criteria: Invitae Variant Classification Sherloc (09022015). Collection method: clinical testing. Allele origin: germline.
Comment: This sequence change replaces arginine, which is basic and polar, with glutamine, which is neutral and polar, at codon 143 of the GNAO1 protein (p.Arg143Gln). This variant is present in population databases (rs777414554, gnomAD 0.006%). This missense change has been observed in individual(s) with clinical features of GNAO1-related conditions (Invitae). ClinVar contains an entry for this variant (Variation ID: 976398). Advanced modeling of protein sequence and biophysical properties (such as structural, functional, and spatial information, amino acid conservation, physicochemical variation, residue mobility, and thermodynamic stability) performed at Invitae indicates that this missense variant is expected to disrupt GNAO1 protein function with a positive predictive value of 80%. In summary, the available evidence is currently insufficient to determine the role of this variant in disease. Therefore, it has been classified as a Variant of Uncertain Significance.

Ambry Genetics
Classification: Likely benign for Inborn genetic diseases. Last evaluated: 2023-06-30. Review status: criteria provided, single submitter. Criteria: Ambry Variant Classification Scheme 2023. Collection method: clinical testing. Allele origin: germline.

GeneDx
Classification: Uncertain significance. Last evaluated: 2022-10-17. Review status: criteria provided, single submitter. Criteria: GeneDx Variant Classification Process June 2021. Collection method: clinical testing. Allele origin: germline. Affected: yes.
Comment: In silico analysis supports that this missense variant has a deleterious effect on protein structure/function; Has not been previously published as pathogenic or benign to our knowledge

Institute of Human Genetics, University of Leipzig Medical Center
Classification: Uncertain significance for Developmental and epileptic encephalopathy, 17. Last evaluated: 2017-06-27. Review status: criteria provided, single submitter. Criteria: ACMG Guidelines, 2015. Collection method: clinical testing. Allele origin: germline. Affected: yes. Observed: 1 variant allele.

NM_020988.3(GNAO1):c.428G>A (p.Arg143Gln)

Gene: GNAO1 (G protein subunit alpha o1; plus strand). Cytogenetic location: 16q13.
Variant type: single nucleotide variant.
Coding change: c.428G>A on transcript NM_020988.3 (MANE Select); coding-DNA position 428, G replaced by A.
Protein change: p.Arg143Gln; replaces arginine 143 with glutamine.
Molecular consequence: missense variant.
Genome position (GRCh38, 1-based): chr16:56,328,755, G>A. VCF-style: chr16-56328755-G-A. GRCh37 (hg19) VCF-style: chr16-56362667-G-A.
Other names: c.428G>A, p.Arg143Gln (NM_138736.3); short protein forms R143Q.
Identifiers: ClinVar variation 976398 (VCV000976398.13), dbSNP rs777414554, ClinGen allele CA8063754.
Genomic context (GRCh38, chr16:56,328,755, plus strand): 5'-AGCTGCTTTCTGCCATGATGCGGCTCTGGGGCGACTCAGGAATCCAAGAGTGCTTCAACC[G>A]GTCCCGGGAGTATCAGCTCAACGACTCTGCCAAATAGTGAGTGTCCCAGCGGGCGCATGG-3'
Protein context (NP_066268.1, residues 133-153): GDSGIQECFN[Arg143Gln]SREYQLNDSA